The following is an entry in ClinVar:

NM_001330691.3(CEP78):c.610A>G (p.Thr204Ala)

Gene: CEP78 (centrosomal protein 78; plus strand). Cytogenetic location: 9q21.2.
Variant type: single nucleotide variant.
Coding change: c.610A>G on transcript NM_001330691.3 (MANE Select); coding-DNA position 610, A replaced by G.
Protein change: p.Thr204Ala; replaces threonine 204 with alanine.
Molecular consequence: missense variant.
Genome position (GRCh38, 1-based): chr9:78,243,468, A>G. VCF-style: chr9-78243468-A-G. GRCh37 (hg19) VCF-style: chr9-80858384-A-G.
Other names: c.610A>G, p.Thr204Ala (NM_001098802.3, NM_001330693.3, NM_001330694.2 and 4 more transcripts); c.610A>G (NM_001098802.1); short protein forms T204A.
Identifiers: ClinVar variation 1366004 (VCV001366004.6), dbSNP rs891026757, ClinGen allele CA194769761.

ClinVar aggregate classification (germline): Uncertain significance. Review status: criteria provided, multiple submitters, no conflicts (2 of 4 stars). 3 submissions from 3 submitters: Uncertain significance (3). Last evaluated 2024-12-10.

Conditions:
Inborn genetic diseases. Identifiers: MedGen C0950123, MeSH D030342.
CEP78-related disorder. Also called: CEP78-related condition.

Allele frequency attached by ClinVar (database versions not stated): TOPMed below 0.00001.
gnomAD v4.1: 3 of 1,612,494 alleles (0.00019%); no homozygotes.

Submissions (3):

PreventionGenetics, part of Exact Sciences
Classification: Uncertain significance for CEP78-related condition. Last evaluated: 2024-12-10. Review status: criteria provided, single submitter. Criteria: ACMG Guidelines, 2015. Collection method: clinical testing. Allele origin: germline.
Comment: The CEP78 c.610A>G variant is predicted to result in the amino acid substitution p.Thr204Ala. To our knowledge, this variant has not been reported in the literature or in a large population database (gnomAD), indicating this variant is rare. At this time, the clinical significance of this variant is uncertain due to the absence of conclusive functional and genetic evidence.

Ambry Genetics
Classification: Uncertain significance for Inborn genetic diseases. Last evaluated: 2023-04-12. Review status: criteria provided, single submitter. Criteria: Ambry Variant Classification Scheme 2023. Collection method: clinical testing. Allele origin: germline.

Labcorp Genetics (formerly Invitae), Labcorp
Classification: Uncertain significance. Last evaluated: 2022-06-13. Review status: criteria provided, single submitter. Criteria: Invitae Variant Classification Sherloc (09022015). Collection method: clinical testing. Allele origin: germline.
Comment: In summary, the available evidence is currently insufficient to determine the role of this variant in disease. Therefore, it has been classified as a Variant of Uncertain Significance. Algorithms developed to predict the effect of missense changes on protein structure and function output the following: SIFT: "Tolerated"; PolyPhen-2: "Benign"; Align-GVGD: "Class C0". The alanine amino acid residue is found in multiple mammalian species, which suggests that this missense change does not adversely affect protein function. This variant has not been reported in the literature in individuals affected with CEP78-related conditions. This variant is not present in population databases (gnomAD no frequency). This sequence change replaces threonine, which is neutral and polar, with alanine, which is neutral and non-polar, at codon 204 of the CEP78 protein (p.Thr204Ala).